The following is an entry in ClinVar:

NM_005120.3(MED12):c.4416-77CTCTT[7]

Gene: MED12 (mediator complex subunit 12; plus strand). Cytogenetic location: Xq13.1.
Variant type: Microsatellite.
Coding change: c.4416-77CTCTT[7] on transcript NM_005120.3 (MANE Select); seven copies in a row of the 5-base unit CTCTT starting at c.4416-77.
Molecular consequence: intron variant.
Genome position: GRCh38 VCF-style: chrX-71132767-CCTCTTCTCTTCTCTTCTCTTCTCTT-C. GRCh37 (hg19) VCF-style: chrX-70352617-CCTCTTCTCTTCTCTTCTCTTCTCTT-C.
Identifiers: ClinVar variation 213614 (VCV000213614.3), dbSNP rs56658066, ClinGen allele CA319758.

ClinVar aggregate classification (germline): Benign. Review status: criteria provided, single submitter (1 of 4 stars). 2 submissions from 1 submitter: Benign (1). 1 of the submissions does not count toward it. Last evaluated 2019-08-15.

Submissions (2):

GeneDx
Classification: Benign. Last evaluated: 2019-08-15. Review status: criteria provided, single submitter. Criteria: GeneDx Variant Classification Process June 2021. Collection method: clinical testing. Allele origin: germline. Affected: yes.

GeneDx
Classification: Benign. Last evaluated: 2015-04-24. Review status: flagged submission. Criteria: GeneDx Variant Classification (06012015). Collection method: clinical testing. Allele origin: germline. Affected: yes. Not counted in ClinVar's aggregate classification.
Comment: This variant is considered likely benign or benign based on one or more of the following criteria: it is a conservative change, it occurs at a poorly conserved position in the protein, it is predicted to be benign by multiple in silico algorithms, and/or has population frequency not consistent with disease.
ClinVar note: Reason: This record appears to be redundant with a more recent record from the same submitter.
ClinVar note: Notes: SCV000250573 appears to be redundant with SCV001942708.